The following is an entry in ClinVar:

NM_000059.4(BRCA2):c.6794C>T (p.Ser2265Leu)

Gene: BRCA2 (BRCA2 DNA repair associated; plus strand). Cytogenetic location: 13q13.1.
Variant type: single nucleotide variant.
Coding change: c.6794C>T on transcript NM_000059.4 (MANE Select); coding-DNA position 6794, C replaced by T.
Protein change: p.Ser2265Leu; replaces serine 2265 with leucine.
Molecular consequence: missense variant. On other transcripts: non-coding transcript variant (1), intron variant (2).
Genome position (GRCh38, 1-based): chr13:32,341,149, C>T. VCF-style: chr13-32341149-C-T. GRCh37 (hg19) VCF-style: chr13-32915286-C-T.
Other names: c.6794C>T, p.Ser2265Leu (NM_001406719.1, NM_001406720.1); c.1910-3409C>T (NM_001406721.1); c.425-3409C>T (NM_001406722.1); short protein forms S2265L.
Identifiers: ClinVar variation 2865757 (VCV002865757.3), dbSNP rs2548534094, ClinGen allele CA387791328.

ClinVar aggregate classification (germline): Uncertain significance (1 of 4 stars; one submission).

Conditions:
Hereditary breast ovarian cancer syndrome. Also called: Hereditary breast and ovarian cancer syndrome; Hereditary breast and/or ovarian cancer syndrome; BRCA1- and BRCA2-Associated Hereditary Breast and Ovarian Cancer; Hereditary breast and ovarian cancer syndrome (HBOC); Hereditary breast and ovarian cancer; Breast and ovarian cancer. Identifiers: Orphanet 145, MedGen C0677776, MeSH D061325, MONDO:0003582. Disease mechanism: loss of function.

Submission:

Labcorp Genetics (formerly Invitae), Labcorp
Classification: Uncertain significance for Hereditary breast ovarian cancer syndrome. Last evaluated: 2023-06-01. Review status: criteria provided, single submitter. Criteria: Invitae Variant Classification Sherloc (09022015). Collection method: clinical testing. Allele origin: germline.
Comment: In summary, the available evidence is currently insufficient to determine the role of this variant in disease. Therefore, it has been classified as a Variant of Uncertain Significance. Advanced modeling of protein sequence and biophysical properties (such as structural, functional, and spatial information, amino acid conservation, physicochemical variation, residue mobility, and thermodynamic stability) performed at Invitae indicates that this missense variant is not expected to disrupt BRCA2 protein function. This variant has not been reported in the literature in individuals affected with BRCA2-related conditions. This variant is not present in population databases (gnomAD no frequency). This sequence change replaces serine, which is neutral and polar, with leucine, which is neutral and non-polar, at codon 2265 of the BRCA2 protein (p.Ser2265Leu).